The following is an entry in ClinVar:

ClinVar aggregate classification (germline): Pathogenic/Likely pathogenic. Review status: criteria provided, multiple submitters, no conflicts (2 of 4 stars). 4 submissions from 4 submitters: Pathogenic (1); Likely pathogenic (3). Last evaluated 2025-01-19.

Conditions:
SUMF1-related disorder. Also called: SUMF1-related condition.
Multiple sulfatase deficiency (MSD). Also called: Mucosulfatidosis; Multiple Sulfatase Deficiency Disease; Sulfatidosis, Juvenile, Austin Type. Identifiers: Orphanet 585, MedGen C0268263, MONDO:0010088, OMIM 272200.

Submissions (4):

GeneDx
Classification: Likely pathogenic. Last evaluated: 2025-01-19. Review status: criteria provided, single submitter. Criteria: GeneDx Variant Classification Process June 2021. Collection method: clinical testing. Allele origin: germline. Affected: yes.
Comment: Frameshift variant predicted to result in protein truncation or nonsense mediated decay in a gene for which loss of function is a known mechanism of disease; Not observed at significant frequency in large population cohorts (gnomAD); Has not been previously published as pathogenic or benign to our knowledge; This variant is associated with the following publications: (PMID: 25885655, 12757705, 12757706)

Natera, Inc.
Classification: Likely pathogenic for Multiple sulfatase deficiency. Last evaluated: 2025-01-14. Review status: criteria provided, single submitter. Criteria: Natera Variant Classification Schema (03/2026). Collection method: clinical testing. Allele origin: germline.
Comment: The c.616_623delGTTCTCCA variant in SUMF1 is a frameshift variant predicted to shift the reading frame beginning at codon 206 and leads to a stop codon 5 codons downstream. This variant is expected to result in nonsense mediated decay, truncation, or a dysfunctional protein product. This variant is rare in the general population with a frequency below the threshold expected for the associated phenotype(s). Given the available evidence, this variant is classified as Likely Pathogenic.

Labcorp Genetics (formerly Invitae), Labcorp
Classification: Pathogenic for Multiple sulfatase deficiency. Last evaluated: 2023-08-16. Review status: criteria provided, single submitter. Criteria: Invitae Variant Classification Sherloc (09022015). Collection method: clinical testing. Allele origin: germline.
Comment: This sequence change creates a premature translational stop signal (p.Val206Cysfs*5) in the SUMF1 gene. It is expected to result in an absent or disrupted protein product. Loss-of-function variants in SUMF1 are known to be pathogenic (PMID: 12757705, 12757706, 25885655). This variant is not present in population databases (gnomAD no frequency). This variant has not been reported in the literature in individuals affected with SUMF1-related conditions. ClinVar contains an entry for this variant (Variation ID: 1402280). For these reasons, this variant has been classified as Pathogenic.

Blueprint Genetics
Classification: Likely pathogenic for SUMF1-related disorders. Last evaluated: 2022-08-17. Review status: criteria provided, single submitter. Criteria: ACMG Guidelines, 2015. Collection method: clinical testing. Allele origin: germline. Affected: yes. Observed: 2 variant alleles.

Literature cited by the submitters: PubMed 12757705 (cited by Labcorp Genetics (formerly Invitae), Labcorp); PubMed 12757706 (cited by Labcorp Genetics (formerly Invitae), Labcorp); PubMed 25885655 (cited by Labcorp Genetics (formerly Invitae), Labcorp).

NM_182760.4(SUMF1):c.616_623del (p.Val206fs)

Gene: SUMF1 (sulfatase modifying factor 1; minus strand). Cytogenetic location: 3p26.1.
Variant type: Deletion.
Coding change: c.616_623del on transcript NM_182760.4 (MANE Select); coding-DNA positions 616 to 623, 8 bases deleted (GTTCTCCA; older notation c.616_623delGTTCTCCA).
Protein change: p.Val206fs; shifts the reading frame from valine 206.
Molecular consequence: frameshift variant.
Genome position (GRCh38, 1-based): chr3:4,418,112-4,418,119, TGGAGAAC deleted on the plus strand (GTTCTCCA on the coding strand, the reverse complement: SUMF1 is on the minus strand); deleting any 8 consecutive bases within chr3:4,418,112-4,418,123 gives the same sequence; the c. name uses the placement nearest the transcript's 3' end. VCF-style (leftmost placement, unchanged base first): chr3-4418111-ATGGAGAAC-A. GRCh37 (hg19) VCF-style: chr3-4459795-ATGGAGAAC-A.
Other names: c.616_623del (NM_182760.3); c.541_548del, p.Val181fs (NM_001164674.2); c.616_623del, p.Val206fs (NM_001164675.2); c.616_623delGTTCTCCA (NM_182760.3); short protein forms V206fs, V181fs.
Identifiers: ClinVar variation 1402280 (VCV001402280.10), dbSNP rs773400437, ClinGen allele CA2230517.